The following is an entry in ClinVar:

NM_000642.3(AGL):c.665C>T (p.Ala222Val)

Gene: AGL (amylo-alpha-1,6-glucosidase and 4-alpha-glucanotransferase; plus strand). Cytogenetic location: 1p21.2.
Variant type: single nucleotide variant.
Coding change: c.665C>T on transcript NM_000642.3 (MANE Select); coding-DNA position 665, C replaced by T.
Protein change: p.Ala222Val; replaces alanine 222 with valine.
Molecular consequence: missense variant.
Genome position (GRCh38, 1-based): chr1:99,870,400, C>T. VCF-style: chr1-99870400-C-T. GRCh37 (hg19) VCF-style: chr1-100335956-C-T.
Other names: c.665C>T (NM_000642.2); c.665C>T, p.Ala222Val (NM_000028.3, NM_000643.3, NM_000644.3 and 3 more transcripts); c.617C>T, p.Ala206Val (NM_000646.3); c.461C>T, p.Ala154Val (NM_001425328.1, NM_001425329.1); c.287C>T, p.Ala96Val (NM_001425332.1); short protein forms A222V, A206V, A154V, A96V.
Identifiers: ClinVar variation 1409706 (VCV001409706.8), dbSNP rs762643041, ClinGen allele CA966244.

ClinVar aggregate classification (germline): Uncertain significance. Review status: criteria provided, multiple submitters, no conflicts (2 of 4 stars). 2 submissions from 2 submitters: Uncertain significance (2). Last evaluated 2025-03-25.

Conditions:
Glycogen storage disease type III (GSD3). Also called: Cori disease; FORBES DISEASE. Identifiers: Orphanet 366, MedGen C0017922, MONDO:0009291, OMIM 232400.

Allele frequency attached by ClinVar (database versions not stated): gnomAD exomes below 0.00001; ExAC 0.00001; gnomAD 0.00001.
gnomAD v4.1: 3 of 1,613,356 alleles (0.00019%); highest among the groups gnomAD compares: African/African-American, 0.0027%; no homozygotes.

Submissions (2):

GeneDx
Classification: Uncertain significance. Last evaluated: 2025-03-25. Review status: criteria provided, single submitter. Criteria: GeneDx Variant Classification Process June 2021. Collection method: clinical testing. Allele origin: germline. Affected: yes.
Comment: Not observed at significant frequency in large population cohorts (gnomAD); In silico analysis supports that this missense variant has a deleterious effect on protein structure/function; Has not been previously published as pathogenic or benign to our knowledge

Labcorp Genetics (formerly Invitae), Labcorp
Classification: Uncertain significance for Glycogen storage disease type III. Last evaluated: 2021-06-20. Review status: criteria provided, single submitter. Criteria: Invitae Variant Classification Sherloc (09022015). Collection method: clinical testing. Allele origin: germline.
Comment: In summary, the available evidence is currently insufficient to determine the role of this variant in disease. Therefore, it has been classified as a Variant of Uncertain Significance. Algorithms developed to predict the effect of missense changes on protein structure and function are either unavailable or do not agree on the potential impact of this missense change (SIFT: "Deleterious"; PolyPhen-2: "Probably Damaging"; Align-GVGD: "Class C0"). This variant has not been reported in the literature in individuals with AGL-related conditions. This variant is present in population databases (rs762643041, ExAC 0.01%). This sequence change replaces alanine with valine at codon 222 of the AGL protein (p.Ala222Val). The alanine residue is highly conserved and there is a small physicochemical difference between alanine and valine.